The following is an entry in ClinVar:

NM_001103.4(ACTN2):c.2215G>A (p.Glu739Lys)

Gene: ACTN2 (actinin alpha 2; plus strand). Cytogenetic location: 1q43.
Variant type: single nucleotide variant.
Coding change: c.2215G>A on transcript NM_001103.4 (MANE Select); coding-DNA position 2215, G replaced by A.
Protein change: p.Glu739Lys; replaces glutamic acid 739 with lysine.
Molecular consequence: missense variant. On other transcripts: non-coding transcript variant (1).
Genome position (GRCh38, 1-based): chr1:236,757,546, G>A. VCF-style: chr1-236757546-G-A. GRCh37 (hg19) VCF-style: chr1-236920846-G-A.
Other names: c.2215G>A, p.Glu739Lys (NM_001278343.2); short protein forms E739K.
Identifiers: ClinVar variation 4785785 (VCV004785785.1).

ClinVar aggregate classification (germline): Uncertain significance (1 of 4 stars; one submission).

Conditions:
Primary familial hypertrophic cardiomyopathy (HCM). Identifiers: Orphanet 99739, MedGen C0949658, MeSH D024741, MONDO:0024573. Inheritance: Various modes of inheritance.
Dilated cardiomyopathy 1AA (CMD1AA). Also called: CARDIOMYOPATHY, DILATED, 1AA, WITH OR WITHOUT LEFT VENTRICULAR NONCOMPACTION; CARDIOMYOPATHY, FAMILIAL HYPERTROPHIC, 23, WITH OR WITHOUT LEFT VENTRICULAR NONCOMPACTION; Cardiomyopathy, dilated, 1AA, with or without LVNC. Identifiers: Orphanet 154, MedGen C2677338, MONDO:0012808, OMIM 612158.

gnomAD v4.1: 1 of 1,614,208 alleles (0.000062%); highest among the groups gnomAD compares: Non-Finnish European, 0.000085%; no homozygotes.

Submission:

Labcorp Genetics (formerly Invitae), Labcorp
Classification: Uncertain significance for Primary familial hypertrophic cardiomyopathy; Dilated cardiomyopathy 1AA. Last evaluated: 2025-06-18. Review status: criteria provided, single submitter. Criteria: Invitae Variant Classification Sherloc (09022015). Collection method: clinical testing. Allele origin: germline.
Comment: This sequence change replaces glutamic acid, which is acidic and polar, with lysine, which is basic and polar, at codon 739 of the ACTN2 protein (p.Glu739Lys). This variant is not present in population databases (gnomAD no frequency). This variant has not been reported in the literature in individuals affected with ACTN2-related conditions. An algorithm developed to predict the effect of missense changes on protein structure and function (PolyPhen-2) suggests that this variant is likely to be disruptive. In summary, the available evidence is currently insufficient to determine the role of this variant in disease. Therefore, it has been classified as a Variant of Uncertain Significance.